The following is an entry in ClinVar:

NM_001005337.3(PKP1):c.203-1G>C

Gene: PKP1 (plakophilin 1; plus strand). Cytogenetic location: 1q32.1.
Variant type: single nucleotide variant.
Coding change: c.203-1G>C on transcript NM_001005337.3 (MANE Select); the canonical splice acceptor site of the intron before coding-DNA position 203, G replaced by C.
Molecular consequence: splice acceptor variant.
Genome position (GRCh38, 1-based): chr1:201,293,941, G>C. VCF-style: chr1-201293941-G-C. GRCh37 (hg19) VCF-style: chr1-201263069-G-C.
Other names: c.203-1G>C (NM_000299.4).
Identifiers: ClinVar variation 1339041 (VCV001339041.2), dbSNP rs2102154917, ClinGen allele CA344170832.

ClinVar aggregate classification (germline): Likely pathogenic (1 of 4 stars; one submission).

Conditions:
Epidermolysis bullosa simplex due to plakophilin deficiency. Also called: MCGRATH SYNDROME. Identifiers: Orphanet 158668, MedGen C1858302, MONDO:0011472, OMIM 604536.

Submission:

Neuberg Centre For Genomic Medicine, NCGM
Classification: Likely pathogenic for Epidermolysis bullosa simplex due to plakophilin deficiency. Review status: criteria provided, single submitter. Criteria: ACMG Guidelines, 2015. Collection method: clinical testing. Allele origin: germline. Affected: yes.
Comment: The splice acceptor variant c.203-1G>C in PKP1 (NM_001005337.3) has not been reported previously as a pathogenic variant nor as a benign variant, to our knowledge. The c.203-1G>C variant is novel (not in any individuals) in gnomAD Exomes and is novel (not in any individuals) in 1000 Genomes. This variant affects an invariant splice nucleotide and is predicted to cause loss of function. Loss of function variants have been reported to be disease causing. For these reasons, this variant has been classified as Likely Pathogenic.